The following is an entry in ClinVar:

NM_144573.4(NEXN):c.1267G>A (p.Glu423Lys)

Gene: NEXN (nexilin F-actin binding protein; plus strand). Cytogenetic location: 1p31.1.
Variant type: single nucleotide variant.
Coding change: c.1267G>A on transcript NM_144573.4 (MANE Select); coding-DNA position 1267, G replaced by A.
Protein change: p.Glu423Lys; replaces glutamic acid 423 with lysine.
Molecular consequence: missense variant.
Genome position (GRCh38, 1-based): chr1:77,935,838, G>A. VCF-style: chr1-77935838-G-A. GRCh37 (hg19) VCF-style: chr1-78401523-G-A.
Other names: c.1075G>A, p.Glu359Lys (NM_001172309.2); short protein forms E423K, E359K.
Identifiers: ClinVar variation 4783049 (VCV004783049.1).

ClinVar aggregate classification (germline): Uncertain significance (1 of 4 stars; one submission).

Conditions:
Dilated cardiomyopathy 1CC (CMD1CC). Identifiers: Orphanet 154, MedGen C2751084, MONDO:0013147, OMIM 613122.
Hypertrophic cardiomyopathy 20. Identifiers: MedGen C3151267, MONDO:0013477, OMIM 613876.

Submission:

Labcorp Genetics (formerly Invitae), Labcorp
Classification: Uncertain significance for Dilated cardiomyopathy 1CC; Hypertrophic cardiomyopathy 20. Last evaluated: 2025-12-09. Review status: criteria provided, single submitter. Criteria: Invitae Variant Classification Sherloc (09022015). Collection method: clinical testing. Allele origin: germline.
Comment: This sequence change replaces glutamic acid, which is acidic and polar, with lysine, which is basic and polar, at codon 423 of the NEXN protein (p.Glu423Lys). This variant is not present in population databases (gnomAD no frequency). This variant has not been reported in the literature in individuals affected with NEXN-related conditions. Invitae Evidence Modeling of protein sequence and biophysical properties (such as structural, functional, and spatial information, amino acid conservation, physicochemical variation, residue mobility, and thermodynamic stability) indicates that this missense variant is not expected to disrupt NEXN protein function with a negative predictive value of 80%. In summary, the available evidence is currently insufficient to determine the role of this variant in disease. Therefore, it has been classified as a Variant of Uncertain Significance.